The following is an entry in ClinVar:

NC_000005.9:g.(?_118865579)_(118867109_?)del

Gene: HSD17B4 (hydroxysteroid 17-beta dehydrogenase 4; plus strand). Cytogenetic location: 5q23.1.
Variant type: Deletion.
Identifiers: ClinVar variation 1075507 (VCV001075507.5).

ClinVar aggregate classification (germline): Pathogenic (1 of 4 stars; one submission).

Conditions:
Bifunctional peroxisomal enzyme deficiency (DBIF). Also called: DBP DEFICIENCY; PBFE DEFICIENCY; D-bifunctional protein deficiency. Identifiers: Orphanet 300, MedGen C0342870, MONDO:0009855, OMIM 261515. Disease mechanism: loss of function.
Perrault syndrome. Also called: Gonadal dysgenesis with auditory dysfunction, autosomal recessive inheritance. Identifiers: Orphanet 2855, MedGen C0685838, MONDO:0017312.

Submission:

Labcorp Genetics (formerly Invitae), Labcorp
Classification: Pathogenic for Perrault syndrome; Bifunctional peroxisomal enzyme deficiency. Last evaluated: 2021-06-03. Review status: criteria provided, single submitter. Criteria: Invitae Variant Classification Sherloc (09022015). Collection method: clinical testing. Allele origin: germline.
Comment: For these reasons, this variant has been classified as Pathogenic. Loss-of-function variants in HSD17B4 are known to be pathogenic (PMID: 11810648, 16385454). This variant has not been reported in the literature in individuals with HSD17B4-related conditions. This variant is an out-of-frame deletion of the genomic region encompassing exon(s) 21-22 of the HSD17B4 gene. This is expected to create a premature translational stop signal and result in an absent or disrupted protein product.

Literature cited by the submitters: PubMed 11810648; PubMed 16385454.